The following is an entry in ClinVar:

ClinVar aggregate classification (germline): Uncertain significance (1 of 4 stars; one submission).

Allele frequency attached by ClinVar (database versions not stated): gnomAD 0.00088; TOPMed 0.00102; gnomAD exomes 0.00140; ESP Exome Variant Server 0.00148; ExAC 0.00218.
gnomAD v4.1: 1,993 of 1,473,858 alleles (0.14%); highest among the groups gnomAD compares: Non-Finnish European, 0.16%; 3 homozygotes.

Submission:

Labcorp Genetics (formerly Invitae), Labcorp
Classification: Uncertain significance. Last evaluated: 2024-12-02. Review status: criteria provided, single submitter. Criteria: Invitae Variant Classification Sherloc (09022015). Collection method: clinical testing. Allele origin: germline.
Comment: This sequence change replaces proline, which is neutral and non-polar, with serine, which is neutral and polar, at codon 570 of the TNK2 protein (p.Pro570Ser). This variant is present in population databases (rs35759128, gnomAD 0.1%), and has an allele count higher than expected for a pathogenic variant. This variant has not been reported in the literature in individuals affected with TNK2-related conditions. ClinVar contains an entry for this variant (Variation ID: 2871677). An algorithm developed to predict the effect of missense changes on protein structure and function (PolyPhen-2) suggests that this variant is likely to be tolerated. In summary, the available evidence is currently insufficient to determine the role of this variant in disease. Therefore, it has been classified as a Variant of Uncertain Significance.

NM_001382273.1(TNK2):c.1519C>T (p.Pro507Ser)

Gene: TNK2 (tyrosine kinase non receptor 2; minus strand). Cytogenetic location: 3q29.
Variant type: single nucleotide variant.
Coding change: c.1519C>T on transcript NM_001382273.1 (MANE Select); coding-DNA position 1519, C replaced by T.
Protein change: p.Pro507Ser; replaces proline 507 with serine.
Molecular consequence: missense variant. On other transcripts: non-coding transcript variant (15).
Genome position (GRCh38, 1-based): chr3:195,870,138, G>A on the plus strand (C>T on the coding strand, the complement: TNK2 is on the minus strand). VCF-style: chr3-195870138-G-A. GRCh37 (hg19) VCF-style: chr3-195597009-G-A.
Other names: c.1591C>T, p.Pro531Ser (NM_001010938.2, NM_001382272.1, NM_001387708.1 and 1 more transcripts); c.1615C>T, p.Pro539Ser (NM_001308046.2, NM_001382271.1, NM_001382275.1 and 1 more transcripts); c.1519C>T, p.Pro507Ser (NM_001382274.1, NM_001386164.1, NM_001387718.1 and 12 more transcripts); short protein forms P507S, P531S, P539S.
Identifiers: ClinVar variation 2871677 (VCV002871677.3), dbSNP rs35759128, ClinGen allele CA2776321.